The following is an entry in ClinVar:

NM_000284.4(PDHA1):c.966_970del (p.Arg323fs)

Gene: PDHA1 (pyruvate dehydrogenase E1 subunit alpha 1; plus strand). Cytogenetic location: Xp22.12.
Variant type: Deletion.
Coding change: c.966_970del on transcript NM_000284.4 (MANE Select); coding-DNA positions 966 to 970, 5 bases deleted (CAGGA; older notation c.966_970delCAGGA).
Protein change: p.Arg323fs; shifts the reading frame from arginine 323.
Molecular consequence: frameshift variant.
Genome position (GRCh38, 1-based): chrX:19,358,982-19,358,986, CAGGA deleted; deleting any 5 consecutive bases within chrX:19,358,978-19,358,986 gives the same sequence; the c. name uses the placement nearest the transcript's 3' end. VCF-style (leftmost placement, unchanged base first): chrX-19358977-AAGGAC-A. GRCh37 (hg19) VCF-style: chrX-19377095-AAGGAC-A.
Other names: c.1080_1084del, p.Arg361fs (NM_001173454.2); c.987_991del, p.Arg330fs (NM_001173455.2); c.873_877del, p.Arg292fs (NM_001173456.2); short protein forms R292fs, R323fs, R330fs, R361fs.
Identifiers: ClinVar variation 2230322 (VCV002230322.2), dbSNP rs2518505642, ClinGen allele CA2580100427.
Genomic context (GRCh38, chrX:19,358,977, plus strand): 5'-TACCGTACACGAGAAGAAATTCAGGAAGTAAGAAGTAAGAGTGACCCTATTATGCTTCTC[AAGGAC>A]AGGATGGTGAACAGCAATCTTGCCAGTGTGGAAGAACTAAAGGTACAGTCACTTGTTCAT-3'

ClinVar aggregate classification (germline): Pathogenic (1 of 4 stars; one submission).

Conditions:
Inborn genetic diseases. Identifiers: MedGen C0950123, MeSH D030342.

Submission:

Ambry Genetics
Classification: Pathogenic for Inborn genetic diseases. Last evaluated: 2021-04-26. Review status: criteria provided, single submitter. Criteria: Ambry Variant Classification Scheme 2023. Collection method: clinical testing. Allele origin: germline.
Comment: The c.966_970delCAGGA (p.R323Gfs*15) alteration, located in exon 10 (coding exon 10) of the PDHA1 gene, consists of a deletion of 5 nucleotides from position 966 to 970, causing a translational frameshift with a predicted alternate stop codon after 15 amino acids. This alteration occurs at the 3' terminus of the PDHA1 gene, is not expected to trigger nonsense-mediated mRNA decay, and impacts the last 17% of the protein. However, premature stop codons are typically deleterious in nature and multiple downstream missense and truncating alterations have been reported in the literature and Ambry's internal data as disease-causing (Pirot, 2016; Shin, 2017). Based on data from the Genome Aggregation Database (gnomAD), the PDHA1 c.966_970delCAGGA alteration was not observed, with coverage at this position. Based on the available evidence, this alteration is classified as pathogenic.

Literature cited by the submitters: PubMed 26865159; PubMed 28918066.